The following is an entry in ClinVar:

ClinVar aggregate classification (germline): Benign/Likely benign. Review status: criteria provided, multiple submitters, no conflicts (2 of 4 stars). 7 submissions from 7 submitters: Benign (5); Likely benign (2). Last evaluated 2026-03-10.

Conditions:
Connective tissue disorder. Also called: Connective tissue disease. Identifiers: MedGen C0009782, MONDO:0003900.

Allele frequency attached by ClinVar (database versions not stated): ExAC 0.00122; 1000 Genomes Project 0.00359; gnomAD 0.00422 and 0.00459; ESP Exome Variant Server 0.00423; 1000 Genomes Project 30x 0.00453; TOPMed 0.00465; gnomAD exomes 0.00041 and 0.00099.
gnomAD v4.1: 1,264 of 1,614,024 alleles (0.078%); highest among the groups gnomAD compares: African/African-American, 1.5%; 15 homozygotes.

Submissions (7):

Women's Health and Genetics/Laboratory Corporation of America, LabCorp
Classification: Likely benign. Last evaluated: 2026-03-10. Review status: criteria provided, single submitter. Criteria: LabCorp Variant Classification Summary - May 2015. Collection method: clinical testing. Allele origin: germline.

Labcorp Genetics (formerly Invitae), Labcorp
Classification: Benign. Last evaluated: 2026-02-03. Review status: criteria provided, single submitter. Criteria: Invitae Variant Classification Sherloc (09022015). Collection method: clinical testing. Allele origin: germline.

CeGaT Center for Human Genetics Tuebingen
Classification: Benign. Last evaluated: 2026-01-01. Review status: criteria provided, single submitter. Criteria: CeGaT Center For Human Genetics Tuebingen Variant Classification Criteria Version 2. Collection method: clinical testing. Allele origin: germline. Affected: yes. Observed: 1 variant allele.
Comment: COL2A1: BS1, BS2

ARUP Laboratories, Molecular Genetics and Genomics, ARUP Laboratories
Classification: Benign. Last evaluated: 2024-09-30. Review status: criteria provided, single submitter. Criteria: ARUP Molecular Germline Variant Investigation Process 2024. Collection method: clinical testing. Allele origin: germline.

Genome Diagnostics Laboratory, The Hospital for Sick Children
Classification: Likely benign for Connective tissue disorder. Last evaluated: 2021-09-13. Review status: criteria provided, single submitter. Criteria: ACMG Guidelines, 2015. Collection method: clinical testing. Allele origin: germline.

GeneDx
Classification: Benign. Last evaluated: 2017-03-10. Review status: criteria provided, single submitter. Criteria: GeneDx Variant Classification (06012015). Collection method: clinical testing. Allele origin: germline. Affected: yes.
Comment: This variant is considered likely benign or benign based on one or more of the following criteria: it is a conservative change, it occurs at a poorly conserved position in the protein, it is predicted to be benign by multiple in silico algorithms, and/or has population frequency not consistent with disease.

Eurofins Ntd Llc (ga)
Classification: Benign. Last evaluated: 2017-02-22. Review status: criteria provided, single submitter. Criteria: EGL Classification Definitions 2015. Collection method: clinical testing. Allele origin: germline. Observed: 1 variant allele, 1 heterozygote.

NM_001844.5(COL2A1):c.4327G>A (p.Gly1443Ser)

Gene: COL2A1 (collagen type II alpha 1 chain; minus strand). Cytogenetic location: 12q13.11.
Variant type: single nucleotide variant.
Coding change: c.4327G>A on transcript NM_001844.5 (MANE Select); coding-DNA position 4327, G replaced by A.
Protein change: p.Gly1443Ser; replaces glycine 1443 with serine.
Molecular consequence: missense variant.
Genome position (GRCh38, 1-based): chr12:47,973,544, C>T on the plus strand (G>A on the coding strand, the complement: COL2A1 is on the minus strand). VCF-style: chr12-47973544-C-T. GRCh37 (hg19) VCF-style: chr12-48367327-C-T.
Other names: c.4120G>A, p.Gly1374Ser (NM_033150.3); short protein forms G1443S, G1374S.
Identifiers: ClinVar variation 499946 (VCV000499946.34), dbSNP rs78690642, ClinGen allele CA6534478.